The following is an entry in ClinVar:

NM_030973.4(MED25):c.316G>C (p.Gly106Arg)

Gene: MED25 (mediator complex subunit 25; plus strand). Cytogenetic location: 19q13.33.
Variant type: single nucleotide variant.
Coding change: c.316G>C on transcript NM_030973.4 (MANE Select); coding-DNA position 316, G replaced by C.
Protein change: p.Gly106Arg; replaces glycine 106 with arginine.
Molecular consequence: missense variant.
Genome position (GRCh38, 1-based): chr19:49,828,459, G>C. VCF-style: chr19-49828459-G-C. GRCh37 (hg19) VCF-style: chr19-50331716-G-C.
Other names: c.316G>C, p.Gly106Arg (NM_001378355.1); short protein forms G106R.
Identifiers: ClinVar variation 2805655 (VCV002805655.3), dbSNP rs535472885, ClinGen allele CA406911931.

ClinVar aggregate classification (germline): Uncertain significance (1 of 4 stars; one submission).

Conditions:
Charcot-Marie-Tooth disease type 2. Also called: Charcot-Marie-Tooth type 2. Identifiers: Orphanet 64746, MedGen C0270914, MONDO:0018993.

gnomAD v4.1: 2 of 1,613,192 alleles (0.00012%); highest among the groups gnomAD compares: African/African-American, 0.0013%; no homozygotes.

Submission:

Labcorp Genetics (formerly Invitae), Labcorp
Classification: Uncertain significance for Charcot-Marie-Tooth disease type 2. Last evaluated: 2023-03-03. Review status: criteria provided, single submitter. Criteria: Invitae Variant Classification Sherloc (09022015). Collection method: clinical testing. Allele origin: germline.
Comment: In summary, the available evidence is currently insufficient to determine the role of this variant in disease. Therefore, it has been classified as a Variant of Uncertain Significance. An algorithm developed to predict the effect of missense changes on protein structure and function (PolyPhen-2) suggests that this variant is likely to be disruptive. This missense change has been observed in individual(s) with MED25-related conditions (PMID: 32324310). This variant is present in population databases (no rsID available, gnomAD 0.007%). This sequence change replaces glycine, which is neutral and non-polar, with arginine, which is basic and polar, at codon 106 of the MED25 protein (p.Gly106Arg).

Literature cited by the submitters: PubMed 32324310.